The following is an entry in ClinVar:

ClinVar aggregate classification (germline): Likely benign (1 of 4 stars; one submission).

Allele frequency attached by ClinVar (database versions not stated): ESP Exome Variant Server 0.00015; TOPMed 0.00026; gnomAD 0.00032; ExAC 0.00078; 1000 Genomes Project 30x 0.00141; 1000 Genomes Project 0.00160.
gnomAD v4.1: 662 of 1,613,822 alleles (0.041%); highest among the groups gnomAD compares: South Asian, 0.41%; 3 homozygotes.

Submission:

CeGaT Center for Human Genetics Tuebingen
Classification: Likely benign. Last evaluated: 2022-05-01. Review status: criteria provided, single submitter. Criteria: CeGaT Center For Human Genetics Tuebingen Variant Classification Criteria Version 2. Collection method: clinical testing. Allele origin: germline. Affected: yes. Observed: 1 variant allele.
Comment: ZNF596: BP4, BP7

NM_001042416.3(ZNF596):c.174A>G (p.Gln58=)

Gene: ZNF596 (zinc finger protein 596; plus strand). Cytogenetic location: 8p23.3.
Variant type: single nucleotide variant.
Coding change: c.174A>G on transcript NM_001042416.3 (MANE Select); coding-DNA position 174, A replaced by G.
Protein change: p.Gln58=; no amino-acid change (glutamine 58 retained).
Molecular consequence: synonymous variant. On other transcripts: 5 prime UTR variant (1).
Genome position (GRCh38, 1-based): chr8:243,756, A>G. VCF-style: chr8-243756-A-G. GRCh37 (hg19) VCF-style: chr8-193756-A-G.
Other names: c.174A>G, p.Gln58= (NM_001287254.2, NM_001287255.1, NM_001287256.1 and 2 more transcripts); c.-224A>G (NM_001287399.1).
Identifiers: ClinVar variation 2658288 (VCV002658288.24), dbSNP rs75868281, ClinGen allele CA4595975.